The following is an entry in ClinVar:

NM_001385012.1(NBEA):c.8321G>A (p.Trp2774Ter)

Gene: NBEA (neurobeachin; plus strand). Cytogenetic location: 13q13.3.
Variant type: single nucleotide variant.
Coding change: c.8321G>A on transcript NM_001385012.1 (MANE Select); coding-DNA position 8321, G replaced by A.
Protein change: p.Trp2774Ter; replaces tryptophan 2774 with a stop codon.
Molecular consequence: nonsense.
Genome position (GRCh38, 1-based): chr13:35,655,708, G>A. VCF-style: chr13-35655708-G-A. GRCh37 (hg19) VCF-style: chr13-36229845-G-A.
Other names: c.1637G>A, p.Trp546Ter (NM_001204197.3); c.8312G>A, p.Trp2771Ter (NM_001379245.1); c.8258G>A, p.Trp2753Ter (NM_015678.5); short protein forms W2753*, W2771*, W2774*, W546*.
Identifiers: ClinVar variation 2572437 (VCV002572437.1), dbSNP rs2550006957, ClinGen allele CA387841566.

ClinVar aggregate classification (germline): Likely pathogenic (1 of 4 stars; one submission).

Conditions:
Neurodevelopmental disorder with or without early-onset generalized epilepsy. Identifiers: MedGen C5436914, MONDO:0030930, OMIM 619157.

Submission:

3billion
Classification: Likely pathogenic for Neurodevelopmental disorder with or without early-onset generalized epilepsy. Review status: criteria provided, single submitter. Criteria: ACMG Guidelines, 2015. Collection method: clinical testing. Allele origin: unknown. Affected: yes. Observed: 1 heterozygote.
Comment: The variant is not observed in the gnomAD v2.1.1 dataset. The variant is predicted to result in a loss or disruption of normal protein function through nonsense-mediated decay (NMD) or protein truncation. Multiple pathogenic variants are reported downstream of the variant. Therefore, this variant is classified as Likely pathogenic according to the recommendation of ACMG/AMP guideline.